The following is an entry in ClinVar:

ClinVar aggregate classification (germline): Pathogenic (1 of 4 stars; one submission).

Conditions:
Nemaline myopathy 2 (NEM2). Also called: Nemaline myopathy 2, autosomal recessive. Identifiers: MedGen C1850569, MONDO:0009725, OMIM 256030.

Submission:

Labcorp Genetics (formerly Invitae), Labcorp
Classification: Pathogenic for Nemaline myopathy 2. Last evaluated: 2024-01-04. Review status: criteria provided, single submitter. Criteria: Invitae Variant Classification Sherloc (09022015). Collection method: clinical testing. Allele origin: germline.
Comment: This sequence change creates a premature translational stop signal (p.Gln111*) in the NEB gene. It is expected to result in an absent or disrupted protein product. Loss-of-function variants in NEB are known to be pathogenic (PMID: 25205138). This variant is not present in population databases (gnomAD no frequency). This variant has not been reported in the literature in individuals affected with NEB-related conditions. For these reasons, this variant has been classified as Pathogenic.

Literature cited by the submitters: PubMed 25205138.

NM_001164508.2(NEB):c.331C>T (p.Gln111Ter)

Gene: NEB (nebulin; minus strand). Cytogenetic location: 2q23.3.
Variant type: single nucleotide variant.
Coding change: c.331C>T on transcript NM_001164508.2 (MANE Select); coding-DNA position 331, C replaced by T.
Protein change: p.Gln111Ter; replaces glutamine 111 with a stop codon.
Molecular consequence: nonsense.
Genome position (GRCh38, 1-based): chr2:151,725,524, G>A on the plus strand (C>T on the coding strand, the complement: NEB is on the minus strand). VCF-style: chr2-151725524-G-A. GRCh37 (hg19) VCF-style: chr2-152582038-G-A.
Other names: c.331C>T, p.Gln111Ter (NM_001164507.2, NM_001271208.2, NM_004543.5); short protein forms Q111*.
Identifiers: ClinVar variation 2742389 (VCV002742389.3), dbSNP rs2552279991, ClinGen allele CA348793775.